The following is an entry in ClinVar:

NM_001127222.2(CACNA1A):c.4695G>A (p.Pro1565=)

Gene: CACNA1A (calcium voltage-gated channel subunit alpha1 A; minus strand). Cytogenetic location: 19p13.13.
Variant type: single nucleotide variant.
Coding change: c.4695G>A on transcript NM_001127222.2 (MANE Select); coding-DNA position 4695, G replaced by A.
Protein change: p.Pro1565=; no amino-acid change (proline 1565 retained).
Molecular consequence: synonymous variant.
Genome position (GRCh38, 1-based): chr19:13,255,155, C>T on the plus strand (G>A on the coding strand, the complement: CACNA1A is on the minus strand). VCF-style: chr19-13255155-C-T. GRCh37 (hg19) VCF-style: chr19-13365969-C-T.
Other names: p.Pro1566=; c.4707G>A, p.Pro1569= (NM_000068.4, NM_023035.3); c.4698G>A, p.Pro1566= (NM_001127221.2, NM_001174080.2).
Identifiers: ClinVar variation 476260 (VCV000476260.13), dbSNP rs753924411, ClinGen allele CA9239966.

ClinVar aggregate classification (germline): Likely benign. Review status: criteria provided, multiple submitters, no conflicts (2 of 4 stars). 2 submissions from 2 submitters: Likely benign (2). Last evaluated 2025-10-10.

Conditions:
Developmental and epileptic encephalopathy, 42 (DEE42A). Also called: DEVELOPMENTAL AND EPILEPTIC ENCEPHALOPATHY 42A; EPILEPTIC ENCEPHALOPATHY, EARLY INFANTILE, 42A; Epileptic encephalopathy, early infantile, 42. Identifiers: MedGen C4310716, MONDO:0014917, OMIM 617106.
Episodic ataxia type 2 (EA2). Also called: ACETAZOLAMIDE-RESPONSIVE HEREDITARY PAROXYSMAL CEREBELLAR ATAXIA; ATAXIA, EPISODIC, WITH NYSTAGMUS; ATAXIA, FAMILIAL PAROXYSMAL; CEREBELLAR ATAXIA, PAROXYSMAL, ACETAZOLAMIDE-RESPONSIVE; CEREBELLOPATHY, HEREDITARY PAROXYSMAL; EPISODIC ATAXIA, NYSTAGMUS-ASSOCIATED. Identifiers: Orphanet 97, MedGen C1720416, MONDO:0007163, OMIM 108500.

Allele frequency attached by ClinVar (database versions not stated): gnomAD 0.00002; TOPMed below 0.00001; gnomAD exomes 0.00001; ExAC 0.00002.
gnomAD v4.1: 10 of 1,613,718 alleles (0.00062%); highest among the groups gnomAD compares: Admixed American, 0.0017%; no homozygotes.

Submissions (2):

Labcorp Genetics (formerly Invitae), Labcorp
Classification: Likely benign for Developmental and epileptic encephalopathy, 42; Episodic ataxia type 2. Last evaluated: 2025-10-10. Review status: criteria provided, single submitter. Criteria: Invitae Variant Classification Sherloc (09022015). Collection method: clinical testing. Allele origin: germline.

Mayo Clinic Laboratories, Mayo Clinic
Classification: Likely benign. Last evaluated: 2025-02-25. Review status: criteria provided, single submitter. Criteria: ACMG Guidelines, 2015. Collection method: clinical testing. Allele origin: germline. Observed: 1 variant allele.
Comment: BP4, BP7